The following is an entry in ClinVar:

NM_182961.4(SYNE1):c.5971C>G (p.Leu1991Val)

Gene: SYNE1 (spectrin repeat containing nuclear envelope protein 1; minus strand). Cytogenetic location: 6q25.2.
Variant type: single nucleotide variant.
Coding change: c.5971C>G on transcript NM_182961.4 (MANE Select); coding-DNA position 5971, C replaced by G.
Protein change: p.Leu1991Val; replaces leucine 1991 with valine.
Molecular consequence: missense variant.
Genome position (GRCh38, 1-based): chr6:152,416,466, G>C on the plus strand (C>G on the coding strand, the complement: SYNE1 is on the minus strand). VCF-style: chr6-152416466-G-C. GRCh37 (hg19) VCF-style: chr6-152737601-G-C.
Other names: c.5992C>G, p.Leu1998Val (NM_033071.5); short protein forms L1998V, L1991V.
Identifiers: ClinVar variation 3571785 (VCV003571785.1).

ClinVar aggregate classification (germline): Uncertain significance (1 of 4 stars; one submission).

Submission:

Athena Diagnostics
Classification: Uncertain significance. Last evaluated: 2023-11-16. Review status: criteria provided, single submitter. Criteria: Athena Diagnostics Criteria. Collection method: clinical testing. Allele origin: unknown.
Comment: Available data are insufficient to determine the clinical significance of the variant at this time. This variant has not been reported in large, multi-ethnic general populations. Computational tools disagree on the variant's effect on normal protein function.